The following is an entry in ClinVar:

ClinVar aggregate classification (germline): Pathogenic (1 of 4 stars; one submission).

Conditions:
Congenital defect of folate absorption. Also called: Hereditary Folate Malabsorption. Identifiers: Orphanet 90045, MedGen C0342705, MONDO:0009238, OMIM 229050.

Submission:

Victorian Clinical Genetics Services, Murdoch Childrens Research Institute
Classification: Pathogenic for Congenital defect of folate absorption. Last evaluated: 2022-06-24. Review status: criteria provided, single submitter. Criteria: ACMG Guidelines, 2015. Collection method: clinical testing. Allele origin: germline. Inheritance: Autosomal recessive inheritance. Affected: yes.
Comment: Based on the classification scheme VCGS_Germline_v1.3.4, this variant is classified as Pathogenic. Following criteria are met: 0102 - Loss of function is a known mechanism of disease in this gene and is associated with hereditary folate malabsorption (MIM#229050). (I) 0106 - This gene is associated with autosomal recessive disease. (I) 0201 - Variant is predicted to cause nonsense-mediated decay (NMD) and loss of protein (premature termination codon is located at least 54 nucleotides upstream of the final exon-exon junction). (SP) 0251 - This variant is heterozygous. (I) 0301 - Variant is absent from gnomAD (both v2 and v3). (SP) 0702 - Other NMD-predicted variants comparable to the one identified in this case have strong previous evidence for pathogenicity. These variants have been reported many times as pathogenic, and observed in homozygous and compound heterozygous individuals with hereditary folate malabsorption (ClinVar, PMID: 28685492, PMID: 17446347, PMID: 25504888). (SP) 0807 - This variant has no previous evidence of pathogenicity. (I) 0905 - No published segregation evidence has been identified for this variant. (I) 1007 - No published functional evidence has been identified for this variant. (I) Legend: (SP) - Supporting pathogenic, (I) - Information, (SB) - Supporting benign

Literature cited by the submitters: PubMed 17446347; PubMed 25504888; PubMed 28685492.

NM_080669.6(SLC46A1):c.1253del (p.Leu418fs)

Genes: SARM1 (sterile alpha and TIR motif containing 1; plus strand), SLC46A1 (solute carrier family 46 member 1; minus strand). Cytogenetic location: 17q11.2.
Variant type: Deletion.
Coding change: c.1253del on transcript NM_080669.6 (MANE Select); coding-DNA position 1253, one base deleted (T; older notation c.1253delT).
Protein change: p.Leu418fs; shifts the reading frame from leucine 418.
Molecular consequence: frameshift variant. On other transcripts: 3 prime UTR variant (1).
Genome position (GRCh38, 1-based): chr17:28,400,679, A deleted on the plus strand (T on the coding strand, the reverse complement: SLC46A1 is on the minus strand). VCF-style (leftmost placement, unchanged base first): chr17-28400678-CA-C. GRCh37 (hg19) VCF-style: chr17-26727694-CA-C.
Other names: c.1169del, p.Leu390fs (NM_001242366.3); c.*4393del (NM_015077.4); short protein forms L390fs, L418fs.
Identifiers: ClinVar variation 3254553 (VCV003254553.1), dbSNP rs2508263280.